The following is an entry in ClinVar:

NM_001258392.3(CLPB):c.1681-1G>A

Gene: CLPB (ClpB family mitochondrial disaggregase; minus strand). Cytogenetic location: 11q13.4.
Variant type: single nucleotide variant.
Coding change: c.1681-1G>A on transcript NM_001258392.3 (MANE Select); the canonical splice acceptor site of the intron before coding-DNA position 1681, G replaced by A.
Molecular consequence: splice acceptor variant.
Genome position (GRCh38, 1-based): chr11:72,294,127, C>T on the plus strand (G>A on the coding strand, the complement: CLPB is on the minus strand). VCF-style: chr11-72294127-C-T. GRCh37 (hg19) VCF-style: chr11-72005171-C-T.
Other names: c.1594-1G>A (NM_001258393.3); c.1771-1G>A (NM_030813.6); c.1636-1G>A (NM_001258394.3).
Identifiers: ClinVar variation 2743850 (VCV002743850.3), dbSNP rs2539316753, ClinGen allele CA381725976.
Genomic context (GRCh38, chr11:72,294,127, plus strand): 5'-GACCAGCACATCTGCCACCTCGCGGTCCCAGAGCAGCGTGATGTTGTGCCTTTGCTTGGC[C>T]TGAGATGGGTCAGATAGAAGCATGCCTGCATGTGGCCCACTGCTTTCCATCTCTTGCCAC-3'

ClinVar aggregate classification (germline): Likely pathogenic (1 of 4 stars; one submission).

Conditions:
3-methylglutaconic aciduria, type VIIB (MGCA7B). Also called: CLPB Deficiency; 3-methylglutaconic aciduria, type VII, with cataracts, neurologic involvement and neutropenia; 3-methylglutaconic aciduria with cataracts, neurologic involvement and neutropenia. Identifiers: Orphanet 445038, MedGen C5676893, MONDO:0014561, OMIM 616271.

Submission:

Labcorp Genetics (formerly Invitae), Labcorp
Classification: Likely pathogenic for 3-methylglutaconic aciduria, type VIIB. Last evaluated: 2023-07-16. Review status: criteria provided, single submitter. Criteria: Invitae Variant Classification Sherloc (09022015). Collection method: clinical testing. Allele origin: germline.
Comment: This variant has not been reported in the literature in individuals affected with CLPB-related conditions. This sequence change affects an acceptor splice site in intron 15 of the CLPB gene. It is expected to disrupt RNA splicing. Variants that disrupt the donor or acceptor splice site typically lead to a loss of protein function (PMID: 16199547), and loss-of-function variants in CLPB are known to be pathogenic (PMID: 25597510, 28687938). This variant is not present in population databases (gnomAD no frequency). Algorithms developed to predict the effect of sequence changes on RNA splicing suggest that this variant may disrupt the consensus splice site. In summary, the currently available evidence indicates that the variant is pathogenic, but additional data are needed to prove that conclusively. Therefore, this variant has been classified as Likely Pathogenic.

Literature cited by the submitters: PubMed 16199547; PubMed 25597510; PubMed 28687938.